The following is an entry in ClinVar:

NM_001319074.4(RAX2):c.-46C>T

Gene: RAX2 (retina and anterior neural fold homeobox 2; minus strand). Cytogenetic location: 19p13.3.
Variant type: single nucleotide variant.
Coding change: c.-46C>T on transcript NM_001319074.4 (MANE Select); 46 bases upstream of the start codon, C replaced by T.
Molecular consequence: 5 prime UTR variant. On other transcripts: intron variant (1).
Genome position (GRCh38, 1-based): chr19:3,771,788, G>A on the plus strand (C>T on the coding strand, the complement: RAX2 is on the minus strand). VCF-style: chr19-3771788-G-A. GRCh37 (hg19) VCF-style: chr19-3771786-G-A.
Other names: c.-9-37C>T (NM_032753.4); c.93C>T (NM_001319074.1).
Identifiers: ClinVar variation 4939921 (VCV004939921.2).
Genomic context (GRCh38, chr19:3,771,788, plus strand): 5'-CGGGCTCAGGAACATGGCTCCCACCTGGTGGGACGGCAGCGGGACAGATGGTGGGGAGAC[G>A]GCTGGGGGGGCTACCGGCAGGGACAGGGCAGGGGAGCCCCAGGCTTGCCTCCCGGCTCCG-3'

ClinVar aggregate classification (germline): Likely benign. Review status: criteria provided, multiple submitters, no conflicts (2 of 4 stars). 2 submissions from 2 submitters: Likely benign (2). Last evaluated 2025-04-21.

Conditions:
RAX2-related disorder. Also called: RAX2-related condition; RAX2-related disorders.

gnomAD v4.1: 36 of 1,532,960 alleles (0.0023%); highest among the groups gnomAD compares: Middle Eastern, 0.1%; no homozygotes.

Submissions (2):

PreventionGenetics, part of Exact Sciences
Classification: Likely benign for RAX2-related condition. Last evaluated: 2025-04-21. Review status: criteria provided, single submitter. Criteria: ACMG Guidelines, 2015. Collection method: clinical testing. Allele origin: germline.
Comment: This variant is classified as likely benign based on ACMG/AMP sequence variant interpretation guidelines (Richards et al. 2015 PMID: 25741868, with internal and published modifications).

Blueprint Genetics
Classification: Likely benign. Last evaluated: 2022-07-05. Review status: criteria provided, single submitter. Criteria: ACMG Guidelines, 2015. Collection method: clinical testing. Allele origin: germline.